The following is an entry in ClinVar:

NM_018089.3(ANKZF1):c.2057+1G>A

Gene: ANKZF1 (ankyrin repeat and zinc finger peptidyl tRNA hydrolase 1; plus strand). Cytogenetic location: 2q35.
Variant type: single nucleotide variant.
Coding change: c.2057+1G>A on transcript NM_018089.3 (MANE Select); the canonical splice donor site of the intron after coding-DNA position 2057, G replaced by A.
Molecular consequence: splice donor variant.
Genome position (GRCh38, 1-based): chr2:219,236,096, G>A. VCF-style: chr2-219236096-G-A. GRCh37 (hg19) VCF-style: chr2-220100818-G-A.
Other names: c.2057+1G>A (NM_001042410.2); c.1427+1G>A (NM_001282792.2).
Identifiers: ClinVar variation 4760836 (VCV004760836.1).

ClinVar aggregate classification (germline): Uncertain significance (1 of 4 stars; one submission).

gnomAD v4.1: 4 of 1,614,192 alleles (0.00025%); highest among the groups gnomAD compares: Non-Finnish European, 0.00034%; no homozygotes.

Submission:

Labcorp Genetics (formerly Invitae), Labcorp
Classification: Uncertain significance. Last evaluated: 2025-04-10. Review status: criteria provided, single submitter. Criteria: Invitae Variant Classification Sherloc (09022015). Collection method: clinical testing. Allele origin: germline.
Comment: This sequence change falls in intron 13 of the ANKZF1 gene. It does not directly change the encoded amino acid sequence of the ANKZF1 protein. It affects a nucleotide within the consensus splice site. This variant is not present in population databases (gnomAD no frequency). This variant has not been reported in the literature in individuals affected with ANKZF1-related conditions. Variants that disrupt the consensus splice site are a relatively common cause of aberrant splicing (PMID: 17576681, 9536098). Algorithms developed to predict the effect of sequence changes on RNA splicing suggest that this variant may disrupt the consensus splice site. In summary, the available evidence is currently insufficient to determine the role of this variant in disease. Therefore, it has been classified as a Variant of Uncertain Significance.

Literature cited by the submitters: PubMed 17576681; PubMed 9536098.